The following is an entry in ClinVar:

ClinVar aggregate classification (germline): Uncertain significance (1 of 4 stars; one submission).

Conditions:
Joubert syndrome 8 (JBTS8). Identifiers: Orphanet 475, MedGen C2676771, MONDO:0012855, OMIM 612291.

Submission:

Labcorp Genetics (formerly Invitae), Labcorp
Classification: Uncertain significance for Joubert syndrome 8. Last evaluated: 2022-06-13. Review status: criteria provided, single submitter. Criteria: Invitae Variant Classification Sherloc (09022015). Collection method: clinical testing. Allele origin: germline.
Comment: This sequence change replaces proline, which is neutral and non-polar, with leucine, which is neutral and non-polar, at codon 411 of the ARL13B protein (p.Pro411Leu). In summary, the available evidence is currently insufficient to determine the role of this variant in disease. Therefore, it has been classified as a Variant of Uncertain Significance. Algorithms developed to predict the effect of missense changes on protein structure and function are either unavailable or do not agree on the potential impact of this missense change (SIFT: "Deleterious"; PolyPhen-2: "Probably Damaging"; Align-GVGD: "Class C0"). This variant has not been reported in the literature in individuals affected with ARL13B-related conditions. This variant is not present in population databases (gnomAD no frequency).

NM_001174150.2(ARL13B):c.1232C>T (p.Pro411Leu)

Gene: ARL13B (ARF like GTPase 13B; plus strand). Cytogenetic location: 3q11.2.
Variant type: single nucleotide variant.
Coding change: c.1232C>T on transcript NM_001174150.2 (MANE Select); coding-DNA position 1232, C replaced by T.
Protein change: p.Pro411Leu; replaces proline 411 with leucine.
Molecular consequence: missense variant. On other transcripts: non-coding transcript variant (2).
Genome position (GRCh38, 1-based): chr3:94,053,208, C>T. VCF-style: chr3-94053208-C-T. GRCh37 (hg19) VCF-style: chr3-93772052-C-T.
Other names: c.923C>T, p.Pro308Leu (NM_001174151.2); c.1187C>T, p.Pro396Leu (NM_001321328.2); c.911C>T, p.Pro304Leu (NM_144996.4); c.1232C>T, p.Pro411Leu (NM_182896.3); short protein forms P396L, P308L, P304L, P411L.
Identifiers: ClinVar variation 1376883 (VCV001376883.6), dbSNP rs2107208132, ClinGen allele CA353679919.